The following is an entry in ClinVar:

NM_015137.6(EFR3A):c.543C>T (p.Asn181=)

Gene: EFR3A (EFR3 homolog A; plus strand). Cytogenetic location: 8q24.22.
Variant type: single nucleotide variant.
Coding change: c.543C>T on transcript NM_015137.6 (MANE Select); coding-DNA position 543, C replaced by T.
Protein change: p.Asn181=; no amino-acid change (asparagine 181 retained).
Molecular consequence: synonymous variant. On other transcripts: non-coding transcript variant (2).
Genome position (GRCh38, 1-based): chr8:131,953,872, C>T. VCF-style: chr8-131953872-C-T. GRCh37 (hg19) VCF-style: chr8-132966119-C-T.
Other names: c.435C>T, p.Asn145= (NM_001323553.2, NM_001323554.2, NM_001323555.2 and 2 more transcripts); c.543C>T, p.Asn181= (NM_001323558.2).
Identifiers: ClinVar variation 3058019 (VCV003058019.2), dbSNP rs11984595, ClinGen allele CA4878797.
Genomic context (GRCh38, chr8:131,953,872, plus strand): 5'-TTATAGGATACGAATTGCTGGAATTAGAGGTATTCAAGGTGTGGTTCGCAAAACAGTCAA[C>T]GATGAACTTCGGGCCACCATTTGGGAACCTCAGCATATGGATAAGATTGTTCCATCCCTC-3'
Protein context (NP_055952.2, residues 171-191): GIQGVVRKTV[Asn181=]DELRATIWEP

ClinVar aggregate classification (germline): Benign (0 of 4 stars; one submission).

Conditions:
EFR3A-related disorder. Also called: EFR3A-related condition.

Allele frequency attached by ClinVar (database versions not stated): gnomAD exomes 0.00018; ExAC 0.00192; gnomAD 0.00241; 1000 Genomes Project 0.00280; ESP Exome Variant Server 0.00285; 1000 Genomes Project 30x 0.00297; TOPMed 0.00311.

Submission:

PreventionGenetics, part of Exact Sciences
Classification: Benign for EFR3A-related condition. Last evaluated: 2021-08-24. Review status: no assertion criteria provided. Collection method: clinical testing. Allele origin: germline.
Comment: This variant is classified as benign based on ACMG/AMP sequence variant interpretation guidelines (Richards et al. 2015 PMID: 25741868, with internal and published modifications).